The following is an entry in ClinVar:

ClinVar aggregate classification (germline): Likely benign. Review status: criteria provided, multiple submitters, no conflicts (2 of 4 stars). 2 submissions from 2 submitters: Likely benign (2). Last evaluated 2026-01-16.

Conditions:
Brugada syndrome. Also called: Sudden unexpected nocturnal death syndrome; Sudden unexplained nocturnal death syndrome; Sudden Unexplained Nocturnal Death Syndrome (SUNDS); Sudden Unexplained Death Syndrome. Identifiers: Orphanet 130, MedGen C1142166, MONDO:0015263.

Submissions (2):

Labcorp Genetics (formerly Invitae), Labcorp
Classification: Likely benign for Brugada syndrome. Last evaluated: 2026-01-16. Review status: criteria provided, single submitter. Criteria: Invitae Variant Classification Sherloc (09022015). Collection method: clinical testing. Allele origin: germline.

GeneDx
Classification: Likely benign. Last evaluated: 2017-05-17. Review status: criteria provided, single submitter. Criteria: GeneDx Variant Classification (06012015). Collection method: clinical testing. Allele origin: germline. Affected: yes.
Comment: This variant is considered likely benign or benign based on one or more of the following criteria: it is a conservative change, it occurs at a poorly conserved position in the protein, it is predicted to be benign by multiple in silico algorithms, and/or has population frequency not consistent with disease.

NM_000722.4(CACNA2D1):c.3160-19_3160-15del

Gene: CACNA2D1 (calcium voltage-gated channel auxiliary subunit alpha2delta 1; minus strand). Cytogenetic location: 7q21.11.
Variant type: Microsatellite.
Coding change: c.3160-19_3160-15del on transcript NM_000722.4 (MANE Select); 19 bases into the intron before coding-DNA position 3160 through 15 bases into the intron before coding-DNA position 3160, 5 bases deleted (CTTTT; older notation c.3160-19_3160-15delCTTTT).
Molecular consequence: intron variant.
Genome position (GRCh38, 1-based): chr7:81,950,523-81,950,527, AAAAG deleted on the plus strand (CTTTT on the coding strand, the reverse complement: CACNA2D1 is on the minus strand); deleting any 5 consecutive bases within chr7:81,950,523-81,950,534 gives the same sequence; the c. name uses the placement nearest the transcript's 3' end. VCF-style (leftmost placement, unchanged base first): chr7-81950522-AAAAAG-A. GRCh37 (hg19) VCF-style: chr7-81579838-AAAAAG-A.
Other names: c.3160-19_3160-15delCTTTT (NM_000722.2); c.3196-19_3196-15del (NM_001366867.1).
Identifiers: ClinVar variation 506746 (VCV000506746.10), dbSNP rs778907208, ClinGen allele CA4317348.